The following is an entry in ClinVar:

ClinVar aggregate classification (germline): Uncertain significance (1 of 4 stars; one submission).

Conditions:
Cornelia de Lange syndrome 1 (CDLS1). Also called: Brachmann de Lange syndrome; NIPBL-Related Cornelia de Lange Syndrome; TYPUS DEGENERATIVUS AMSTELODAMENSIS. Identifiers: Orphanet 199, MedGen C4551851, MONDO:0007387, OMIM 122470.

Submission:

Labcorp Genetics (formerly Invitae), Labcorp
Classification: Uncertain significance for Cornelia de Lange syndrome 1. Last evaluated: 2024-10-12. Review status: criteria provided, single submitter. Criteria: Invitae Variant Classification Sherloc (09022015). Collection method: clinical testing. Allele origin: germline.
Comment: This sequence change replaces aspartic acid, which is acidic and polar, with valine, which is neutral and non-polar, at codon 1309 of the NIPBL protein (p.Asp1309Val). This variant is not present in population databases (gnomAD no frequency). This variant has not been reported in the literature in individuals affected with NIPBL-related conditions. Invitae Evidence Modeling of protein sequence and biophysical properties (such as structural, functional, and spatial information, amino acid conservation, physicochemical variation, residue mobility, and thermodynamic stability) indicates that this missense variant is expected to disrupt NIPBL protein function with a positive predictive value of 95%. In summary, the available evidence is currently insufficient to determine the role of this variant in disease. Therefore, it has been classified as a Variant of Uncertain Significance.

NM_133433.4(NIPBL):c.3926A>T (p.Asp1309Val)

Gene: NIPBL (NIPBL cohesin loading factor; plus strand). Cytogenetic location: 5p13.2.
Variant type: single nucleotide variant.
Coding change: c.3926A>T on transcript NM_133433.4 (MANE Select); coding-DNA position 3926, A replaced by T.
Protein change: p.Asp1309Val; replaces aspartic acid 1309 with valine.
Molecular consequence: missense variant.
Genome position (GRCh38, 1-based): chr5:37,006,427, A>T. VCF-style: chr5-37006427-A-T. GRCh37 (hg19) VCF-style: chr5-37006529-A-T.
Other names: c.3926A>T, p.Asp1309Val (NM_015384.5); short protein forms D1309V.
Identifiers: ClinVar variation 3635347 (VCV003635347.2).